The following is an entry in ClinVar:

ClinVar aggregate classification (germline): Uncertain significance (1 of 4 stars; one submission).

Submission:

Labcorp Genetics (formerly Invitae), Labcorp
Classification: Uncertain significance. Last evaluated: 2021-08-26. Review status: criteria provided, single submitter. Criteria: Invitae Variant Classification Sherloc (09022015). Collection method: clinical testing. Allele origin: germline.
Comment: This sequence change replaces threonine with serine at codon 330 of the FH protein (p.Thr330Ser). The threonine residue is highly conserved and there is a small physicochemical difference between threonine and serine. This variant is not present in population databases (ExAC no frequency). This variant has not been reported in the literature in individuals affected with FH-related conditions. Algorithms developed to predict the effect of missense changes on protein structure and function are either unavailable or do not agree on the potential impact of this missense change (SIFT: "Deleterious"; PolyPhen-2: "Benign"; Align-GVGD: "Class C55"). In summary, the available evidence is currently insufficient to determine the role of this variant in disease. Therefore, it has been classified as a Variant of Uncertain Significance.

NM_000143.4(FH):c.989C>G (p.Thr330Ser)

Gene: FH (fumarate hydratase; minus strand). Cytogenetic location: 1q43.
Variant type: single nucleotide variant.
Coding change: c.989C>G on transcript NM_000143.4 (MANE Select); coding-DNA position 989, C replaced by G.
Protein change: p.Thr330Ser; replaces threonine 330 with serine.
Molecular consequence: missense variant.
Genome position (GRCh38, 1-based): chr1:241,504,161, G>C on the plus strand (C>G on the coding strand, the complement: FH is on the minus strand). VCF-style: chr1-241504161-G-C. GRCh37 (hg19) VCF-style: chr1-241667461-G-C.
Other names: short protein forms T330S.
Identifiers: ClinVar variation 460384 (VCV000460384.6), dbSNP rs200028270, ClinGen allele CA40327911.